The following is an entry in ClinVar:

NM_018489.3(ASH1L):c.1580G>C (p.Cys527Ser)

Gene: ASH1L (ASH1 like histone lysine methyltransferase; minus strand). Cytogenetic location: 1q22.
Variant type: single nucleotide variant.
Coding change: c.1580G>C on transcript NM_018489.3 (MANE Select); coding-DNA position 1580, G replaced by C.
Protein change: p.Cys527Ser; replaces cysteine 527 with serine.
Molecular consequence: missense variant.
Genome position (GRCh38, 1-based): chr1:155,481,290, C>G on the plus strand (G>C on the coding strand, the complement: ASH1L is on the minus strand). VCF-style: chr1-155481290-C-G. GRCh37 (hg19) VCF-style: chr1-155451081-C-G.
Other names: c.1580G>C, p.Cys527Ser (NM_001366177.2); short protein forms C527S.
Identifiers: ClinVar variation 4527779 (VCV004527779.1).

ClinVar aggregate classification (germline): Uncertain significance (1 of 4 stars; one submission).

Submission:

GeneDx
Classification: Uncertain significance. Last evaluated: 2025-05-05. Review status: criteria provided, single submitter. Criteria: GeneDx Variant Classification Process June 2021. Collection method: clinical testing. Allele origin: germline. Affected: yes.
Comment: Not observed at significant frequency in large population cohorts (gnomAD); In silico analysis suggests that this missense variant does not alter protein structure/function; Has not been previously published as pathogenic or benign to our knowledge